The following is an entry in ClinVar:

ClinVar aggregate classification (germline): Uncertain significance (1 of 4 stars; one submission).

Conditions:
TTN-related disorder. Also called: TTN-related condition; TTN-related disease; TTN-related disorders.

Allele frequency attached by ClinVar (database versions not stated): gnomAD exomes below 0.00001; gnomAD 0.00001; ExAC 0.00002; TOPMed 0.00002.
gnomAD v4.1: 8 of 1,613,788 alleles (0.0005%); highest among the groups gnomAD compares: Admixed American, 0.0017%; no homozygotes.

Submission:

PreventionGenetics, part of Exact Sciences
Classification: Uncertain significance for TTN-related condition. Last evaluated: 2022-11-24. Review status: criteria provided, single submitter. Criteria: ACMG Guidelines, 2015. Collection method: clinical testing. Allele origin: germline.
Comment: The TTN c.11197A>G variant is predicted to result in the amino acid substitution p.Ile3733Val. To our knowledge, this variant has not been reported in the literature. This variant is reported in 0.0036% of alleles in individuals of European (Non-Finnish) descent in gnomAD. At this time, the clinical significance of this variant is uncertain due to the absence of conclusive functional and genetic evidence.

NM_001267550.2(TTN):c.11197A>G (p.Ile3733Val)

Gene: TTN (titin; minus strand). Cytogenetic location: 2q31.2.
Variant type: single nucleotide variant.
Coding change: c.11197A>G on transcript NM_001267550.2 (MANE Select); coding-DNA position 11197, A replaced by G.
Protein change: p.Ile3733Val; replaces isoleucine 3733 with valine.
Molecular consequence: missense variant. On other transcripts: intron variant (5).
Genome position (GRCh38, 1-based): chr2:178,756,279, T>C on the plus strand (A>G on the coding strand, the complement: TTN is on the minus strand). VCF-style: chr2-178756279-T-C. GRCh37 (hg19) VCF-style: chr2-179621006-T-C.
Other names: c.10684A>G, p.Ile3562Val (NM_133437.4); c.10165+2705A>G (NM_003319.4); c.10540+1263A>G (NM_133432.3); c.10303+2705A>G (NM_133378.4, NM_001256850.1, NM_133379.5); short protein forms I3562V, I3733V.
Identifiers: ClinVar variation 2631864 (VCV002631864.1), dbSNP rs767095590, ClinGen allele CA2003977.